The following is an entry in ClinVar:

ClinVar aggregate classification (germline): Uncertain significance (1 of 4 stars; one submission).

Conditions:
Hyperphosphatasia with intellectual disability syndrome 5 (GPIBD11). Also called: GLYCOSYLPHOSPHATIDYLINOSITOL BIOSYNTHESIS DEFECT 11. Identifiers: Orphanet 247262, MedGen C4014958, MONDO:0014457, OMIM 616025.

Allele frequency attached by ClinVar (database versions not stated): gnomAD 0.00001; gnomAD exomes 0.00001; ExAC 0.00002.
gnomAD v4.1: 5 of 1,613,994 alleles (0.00031%); highest among the groups gnomAD compares: South Asian, 0.0044%; no homozygotes.

Submission:

Labcorp Genetics (formerly Invitae), Labcorp
Classification: Uncertain significance for Hyperphosphatasia with intellectual disability syndrome 5. Last evaluated: 2022-11-24. Review status: criteria provided, single submitter. Criteria: Invitae Variant Classification Sherloc (09022015). Collection method: clinical testing. Allele origin: germline.
Comment: This sequence change replaces valine, which is neutral and non-polar, with isoleucine, which is neutral and non-polar, at codon 134 of the PIGW protein (p.Val134Ile). This variant is present in population databases (rs768280179, gnomAD 0.01%). This variant has not been reported in the literature in individuals affected with PIGW-related conditions. Advanced modeling of protein sequence and biophysical properties (such as structural, functional, and spatial information, amino acid conservation, physicochemical variation, residue mobility, and thermodynamic stability) performed at Invitae indicates that this missense variant is expected to disrupt PIGW protein function. In summary, the available evidence is currently insufficient to determine the role of this variant in disease. Therefore, it has been classified as a Variant of Uncertain Significance.

NM_001346754.2(PIGW):c.400G>A (p.Val134Ile)

Genes: MYO19 (myosin XIX; minus strand), PIGW (phosphatidylinositol glycan anchor biosynthesis class W; plus strand). Cytogenetic location: 17q12.
Variant type: single nucleotide variant.
Coding change: c.400G>A on transcript NM_001346754.2 (MANE Select); coding-DNA position 400, G replaced by A.
Protein change: p.Val134Ile; replaces valine 134 with isoleucine.
Molecular consequence: missense variant.
Genome position (GRCh38, 1-based): chr17:36,537,501, G>A. VCF-style: chr17-36537501-G-A. GRCh37 (hg19) VCF-style: chr17-34893350-G-A.
Other names: c.400G>A, p.Val134Ile (NM_001346755.2, NM_178517.5); short protein forms V134I.
Identifiers: ClinVar variation 2877528 (VCV002877528.3), dbSNP rs768280179, ClinGen allele CA290115890.